The following is an entry in ClinVar:

NM_017752.3(TBC1D8B):c.3157C>T (p.Pro1053Ser)

Gene: TBC1D8B (TBC1 domain family member 8B; plus strand). Cytogenetic location: Xq22.3.
Variant type: single nucleotide variant.
Coding change: c.3157C>T on transcript NM_017752.3 (MANE Select); coding-DNA position 3157, C replaced by T.
Protein change: p.Pro1053Ser; replaces proline 1053 with serine.
Molecular consequence: missense variant.
Genome position (GRCh38, 1-based): chrX:106,873,759, C>T. VCF-style: chrX-106873759-C-T. GRCh37 (hg19) VCF-style: chrX-106116989-C-T.
Other names: short protein forms P1053S.
Identifiers: ClinVar variation 2898203 (VCV002898203.3), dbSNP rs372393368, ClinGen allele CA10483505.
Genomic context (GRCh38, chrX:106,873,759, plus strand): 5'-CTACATAGCCCTACATCATCAGCCAAAGGATTCTCTGGTACTGTCTGTGGTTCTGGAGGA[C>T]CCAGTGAGGAAAAAACAGGGAGCCACTTGGAGAAAGATCCTTGTTCCTTTAGGGAGGAAC-3'
Protein context (NP_060222.2, residues 1043-1063): FSGTVCGSGG[Pro1053Ser]SEEKTGSHLE

ClinVar aggregate classification (germline): Uncertain significance (1 of 4 stars; one submission).

Allele frequency attached by ClinVar (database versions not stated): gnomAD 0.00005; ExAC 0.00002; TOPMed 0.00006; ESP Exome Variant Server 0.00009; gnomAD exomes 0.00002.
gnomAD v4.1: 18 of 1,209,589 alleles (0.0015%); highest among the groups gnomAD compares: African/African-American, 0.031%; no homozygotes.

Submission:

Labcorp Genetics (formerly Invitae), Labcorp
Classification: Uncertain significance. Last evaluated: 2025-06-18. Review status: criteria provided, single submitter. Criteria: Invitae Variant Classification Sherloc (09022015). Collection method: clinical testing. Allele origin: germline.
Comment: This sequence change replaces proline, which is neutral and non-polar, with serine, which is neutral and polar, at codon 1053 of the TBC1D8B protein (p.Pro1053Ser). This variant is present in population databases (rs372393368, gnomAD 0.02%). This variant has not been reported in the literature in individuals affected with TBC1D8B-related conditions. ClinVar contains an entry for this variant (Variation ID: 2898203). An algorithm developed to predict the effect of missense changes on protein structure and function outputs the following: PolyPhen-2: "Benign". The serine amino acid residue is found in multiple mammalian species, which suggests that this missense change does not adversely affect protein function. In summary, the available evidence is currently insufficient to determine the role of this variant in disease. Therefore, it has been classified as a Variant of Uncertain Significance.